The following is an entry in ClinVar:

ClinVar aggregate classification (germline): Likely benign (1 of 4 stars; one submission).

Allele frequency attached by ClinVar (database versions not stated): gnomAD 0.00001.
gnomAD v4.1: 1 of 1,546,644 alleles (0.000065%); highest among the groups gnomAD compares: Non-Finnish European, 0.000089%; no homozygotes.

Submission:

GeneDx
Classification: Likely benign. Last evaluated: 2018-01-16. Review status: criteria provided, single submitter. Criteria: GeneDx Variant Classification (06012015). Collection method: clinical testing. Allele origin: germline. Affected: yes.
Comment: This variant is considered likely benign or benign based on one or more of the following criteria: it is a conservative change, it occurs at a poorly conserved position in the protein, it is predicted to be benign by multiple in silico algorithms, and/or has population frequency not consistent with disease.

NM_203447.4(DOCK8):c.6068+18T>C

Gene: DOCK8 (dedicator of cytokinesis 8; plus strand). Cytogenetic location: 9p24.3.
Variant type: single nucleotide variant.
Coding change: c.6068+18T>C on transcript NM_203447.4 (MANE Select); 18 bases into the intron after coding-DNA position 6068, T replaced by C.
Molecular consequence: intron variant.
Genome position (GRCh38, 1-based): chr9:452,135, T>C. VCF-style: chr9-452135-T-C. GRCh37 (hg19) VCF-style: chr9-452135-T-C.
Other names: c.5864+18T>C (NM_001193536.2); c.5768+18T>C (NM_001190458.2).
Identifiers: ClinVar variation 514911 (VCV000514911.1), dbSNP rs1480534000, ClinGen allele CA585888734.